The following is an entry in ClinVar:

ClinVar aggregate classification (germline): Uncertain significance (1 of 4 stars; one submission).

Conditions:
Haddad syndrome (OHD). Also called: Ondine-Hirschsprung disease. Identifiers: Orphanet 99803, MedGen C1859049, MONDO:0020493.

gnomAD v4.1: 2 of 1,173,870 alleles (0.00017%); highest among the groups gnomAD compares: Admixed American, 0.0047%; no homozygotes.

Submission:

Labcorp Genetics (formerly Invitae), Labcorp
Classification: Uncertain significance for Haddad syndrome. Last evaluated: 2021-02-05. Review status: criteria provided, single submitter. Criteria: Invitae Variant Classification Sherloc (09022015). Collection method: clinical testing. Allele origin: germline.
Comment: The frequency data for this variant in the population databases is considered unreliable, as metrics indicate insufficient coverage at this position in the ExAC database. In summary, the available evidence is currently insufficient to determine the role of this variant in disease. Therefore, it has been classified as a Variant of Uncertain Significance. Algorithms developed to predict the effect of missense changes on protein structure and function are either unavailable or do not agree on the potential impact of this missense change (SIFT: "Deleterious"; PolyPhen-2: "Not Available"; Align-GVGD: "Class C0"). This variant has not been reported in the literature in individuals with PHOX2B-related conditions. This sequence change replaces alanine with valine at codon 251 of the PHOX2B protein (p.Ala251Val). The alanine residue is moderately conserved and there is a small physicochemical difference between alanine and valine.

NM_003924.4(PHOX2B):c.752C>T (p.Ala251Val)

Genes: PHOX2B (paired like homeobox 2B; minus strand), LOC110011216 (paired like homeobox 2b polyalanine repeat instability region; plus strand). Cytogenetic location: 4p13.
Variant type: single nucleotide variant.
Coding change: c.752C>T on transcript NM_003924.4 (MANE Select); coding-DNA position 752, C replaced by T.
Protein change: p.Ala251Val; replaces alanine 251 with valine.
Molecular consequence: missense variant.
Genome position (GRCh38, 1-based): chr4:41,746,000, G>A on the plus strand (C>T on the coding strand, the complement: PHOX2B is on the minus strand). VCF-style: chr4-41746000-G-A. GRCh37 (hg19) VCF-style: chr4-41748017-G-A.
Other names: short protein forms A251V.
Identifiers: ClinVar variation 1387994 (VCV001387994.8), dbSNP rs2153112764, ClinGen allele CA356737198.